The following is an entry in ClinVar:

NM_152618.3(BBS12):c.310C>T (p.His104Tyr)

Gene: BBS12 (Bardet-Biedl syndrome 12; plus strand). Cytogenetic location: 4q27.
Variant type: single nucleotide variant.
Coding change: c.310C>T on transcript NM_152618.3 (MANE Select); coding-DNA position 310, C replaced by T.
Protein change: p.His104Tyr; replaces histidine 104 with tyrosine.
Molecular consequence: missense variant.
Genome position (GRCh38, 1-based): chr4:122,742,202, C>T. VCF-style: chr4-122742202-C-T. GRCh37 (hg19) VCF-style: chr4-123663357-C-T.
Other names: c.310C>T, p.His104Tyr (NM_001178007.2); short protein forms H104Y.
Identifiers: ClinVar variation 1507362 (VCV001507362.6), dbSNP rs1472737770, ClinGen allele CA358222647.

ClinVar aggregate classification (germline): Uncertain significance (1 of 4 stars; one submission).

Conditions:
Bardet-Biedl syndrome (BBS). Identifiers: Orphanet 110, MedGen C0752166, MONDO:0015229.

Allele frequency attached by ClinVar (database versions not stated): TOPMed below 0.00001.

Submission:

Labcorp Genetics (formerly Invitae), Labcorp
Classification: Uncertain significance for Bardet-Biedl syndrome. Last evaluated: 2023-12-11. Review status: criteria provided, single submitter. Criteria: Invitae Variant Classification Sherloc (09022015). Collection method: clinical testing. Allele origin: germline.
Comment: This sequence change replaces histidine, which is basic and polar, with tyrosine, which is neutral and polar, at codon 104 of the BBS12 protein (p.His104Tyr). This variant is not present in population databases (gnomAD no frequency). This variant has not been reported in the literature in individuals affected with BBS12-related conditions. ClinVar contains an entry for this variant (Variation ID: 1507362). Advanced modeling of protein sequence and biophysical properties (such as structural, functional, and spatial information, amino acid conservation, physicochemical variation, residue mobility, and thermodynamic stability) performed at Invitae indicates that this missense variant is expected to disrupt BBS12 protein function with a positive predictive value of 80%. In summary, the available evidence is currently insufficient to determine the role of this variant in disease. Therefore, it has been classified as a Variant of Uncertain Significance.